The following is an entry in ClinVar:

ClinVar aggregate classification (germline): Uncertain significance (1 of 4 stars; one submission).

Submission:

GeneDx
Classification: Uncertain significance. Last evaluated: 2022-04-07. Review status: criteria provided, single submitter. Criteria: GeneDx Variant Classification Process June 2021. Collection method: clinical testing. Allele origin: germline. Affected: yes.
Comment: Has not been previously published as pathogenic or benign to our knowledge; Not observed at significant frequency in large population cohorts (gnomAD); Missense variant in a gene in which most reported pathogenic variants are truncating/loss of function

NM_001267550.2(TTN):c.12949G>A (p.Asp4317Asn)

Gene: TTN (titin; minus strand). Cytogenetic location: 2q31.2.
Variant type: single nucleotide variant.
Coding change: c.12949G>A on transcript NM_001267550.2 (MANE Select); coding-DNA position 12949, G replaced by A.
Protein change: p.Asp4317Asn; replaces aspartic acid 4317 with asparagine.
Molecular consequence: missense variant. On other transcripts: intron variant (1).
Genome position (GRCh38, 1-based): chr2:178,740,284, C>T on the plus strand (G>A on the coding strand, the complement: TTN is on the minus strand). VCF-style: chr2-178740284-C-T. GRCh37 (hg19) VCF-style: chr2-179605011-C-T.
Other names: c.11998G>A, p.Asp4000Asn (NM_001256850.1); c.11860G>A, p.Asp3954Asn (NM_003319.4); c.12235G>A, p.Asp4079Asn (NM_133432.3); c.12436G>A, p.Asp4146Asn (NM_133437.4); c.10361-1924G>A (NM_133378.4); short protein forms D3954N, D4000N, D4079N, D4146N, D4317N.
Identifiers: ClinVar variation 1708696 (VCV001708696.2), dbSNP rs2530651257, ClinGen allele CA349609869.